The following is an entry in ClinVar:

ClinVar aggregate classification (germline): Pathogenic. Review status: criteria provided, multiple submitters, no conflicts (2 of 4 stars). 2 submissions from 2 submitters: Pathogenic (2). Last evaluated 2025-01-27.

Conditions:
Hereditary hemorrhagic telangiectasia (HHT). Also called: ORW DISEASE; Osler Weber Rendu syndrome; OSLER-RENDU-WEBER DISEASE; Osler hemorrhagic telangiectasia syndrome. Identifiers: Orphanet 774, MedGen C0039445, MONDO:0019180. Disease mechanism: loss of function.
Cardiovascular phenotype. Identifiers: MedGen CN230736.

Submissions (2):

Labcorp Genetics (formerly Invitae), Labcorp
Classification: Pathogenic for Hereditary hemorrhagic telangiectasia. Last evaluated: 2025-01-27. Review status: criteria provided, single submitter. Criteria: Invitae Variant Classification Sherloc (09022015). Collection method: clinical testing. Allele origin: germline.
Comment: This sequence change replaces alanine, which is neutral and non-polar, with proline, which is neutral and non-polar, at codon 175 of the ENG protein (p.Ala175Pro). This variant also falls at the last nucleotide of exon 4, which is part of the consensus splice site for this exon. This variant is not present in population databases (gnomAD no frequency). This missense change has been observed in individuals with hereditary hemorrhagic telangiectasia (PMID: 12673790; internal data). ClinVar contains an entry for this variant (Variation ID: 1746292). An algorithm developed to predict the effect of missense changes on protein structure and function (PolyPhen-2) suggests that this variant is likely to be disruptive. Studies have shown that this missense change alters ENG gene expression (PMID: 12673790). Variants that disrupt the consensus splice site are a relatively common cause of aberrant splicing (PMID: 17576681, 9536098). Algorithms developed to predict the effect of sequence changes on RNA splicing suggest that this variant may disrupt the consensus splice site. This variant disrupts the c.523G nucleotide in the ENG gene. Other variant(s) that disrupt this nucleotide have been determined to be pathogenic (PMID: 29171923, 32573726; internal data). This suggests that this nucleotide is clinically significant, and that variants that disrupt this position are likely to be disease-causing. For these reasons, this variant has been classified as Pathogenic.

Ambry Genetics
Classification: Pathogenic for Cardiovascular phenotype. Last evaluated: 2018-01-08. Review status: criteria provided, single submitter. Criteria: Ambry Variant Classification Scheme 2023. Collection method: clinical testing. Allele origin: germline.
Comment: The c.523G>C pathogenic mutation (also known as p.A175P), located in coding exon 4 of the ENG gene, results from a G to C substitution at nucleotide position 523. The amino acid change results in alanine to proline at codon 175, an amino acid with highly similar properties. However, this change occurs in the last base pair of coding exon 4, which makes it likely to have some effect on normal mRNA splicing. In one study, this mutation was seen in an individual with epistaxis, pulmonary arteriovenous malformation, and reduced endoglin activity compared to wildtype (Cymerman U, et al. Hum. Mutat. 2003 May; 21(5):482-92). Based on the supporting evidence, this alteration is interpreted as a disease-causing mutation.

Literature cited by the submitters: PubMed 12673790 (cited by Labcorp Genetics (formerly Invitae), Labcorp and Ambry Genetics); PubMed 17576681 (cited by Labcorp Genetics (formerly Invitae), Labcorp); PubMed 9536098 (cited by Labcorp Genetics (formerly Invitae), Labcorp); PubMed 29171923 (cited by Labcorp Genetics (formerly Invitae), Labcorp); PubMed 32573726 (cited by Labcorp Genetics (formerly Invitae), Labcorp).

NM_001114753.3(ENG):c.523G>C (p.Ala175Pro)

Gene: ENG (endoglin; minus strand). Cytogenetic location: 9q34.11.
Variant type: single nucleotide variant.
Coding change: c.523G>C on transcript NM_001114753.3 (MANE Select); coding-DNA position 523, G replaced by C.
Protein change: p.Ala175Pro; replaces alanine 175 with proline.
Molecular consequence: missense variant. On other transcripts: 5 prime UTR variant (1).
Genome position (GRCh38, 1-based): chr9:127,826,510, C>G on the plus strand (G>C on the coding strand, the complement: ENG is on the minus strand). VCF-style: chr9-127826510-C-G. GRCh37 (hg19) VCF-style: chr9-130588789-C-G.
Other names: c.523G>C, p.Ala175Pro (NM_000118.4, NM_001406715.1); c.-24G>C (NM_001278138.2); short protein forms A175P.
Identifiers: ClinVar variation 1746292 (VCV001746292.4), dbSNP rs1588583488, ClinGen allele CA374984092.